The following is an entry in ClinVar:

ClinVar aggregate classification (germline): Pathogenic (1 of 4 stars; one submission).

Submission:

Labcorp Genetics (formerly Invitae), Labcorp
Classification: Pathogenic. Last evaluated: 2025-10-06. Review status: criteria provided, single submitter. Criteria: Invitae Variant Classification Sherloc (09022015). Collection method: clinical testing. Allele origin: germline.
Comment: This sequence change creates a premature translational stop signal (p.Glu488*) in the FH gene. While this is not anticipated to result in nonsense mediated decay, it is expected to disrupt the last 23 amino acid(s) of the FH protein. This variant is not present in population databases (gnomAD no frequency). This premature translational stop signal has been observed in individual(s) with clinical features of hereditary leiomyomatosis and renal cell cancer (PMID: 31831373). Algorithms developed to predict the effect of sequence changes on RNA splicing suggest that this variant may disrupt the consensus splice site. This variant disrupts a region of the FH protein in which other variant(s) (p.Trp500*) have been determined to be pathogenic (PMID: 9635293, 21398687). This suggests that this is a clinically significant region of the protein, and that variants that disrupt it are likely to be disease-causing. For these reasons, this variant has been classified as Pathogenic.

Literature cited by the submitters: PubMed 31831373; PubMed 9635293; PubMed 21398687.

NM_000143.4(FH):c.1462G>T (p.Glu488Ter)

Gene: FH (fumarate hydratase; minus strand). Cytogenetic location: 1q43.
Variant type: single nucleotide variant.
Coding change: c.1462G>T on transcript NM_000143.4 (MANE Select); coding-DNA position 1462, G replaced by T.
Protein change: p.Glu488Ter; replaces glutamic acid 488 with a stop codon.
Molecular consequence: nonsense.
Genome position (GRCh38, 1-based): chr1:241,497,899, C>A on the plus strand (G>T on the coding strand, the complement: FH is on the minus strand). VCF-style: chr1-241497899-C-A. GRCh37 (hg19) VCF-style: chr1-241661199-C-A.
Other names: short protein forms E488*.
Identifiers: ClinVar variation 4749926 (VCV004749926.1).